The following is an entry in ClinVar:

NM_052947.4(ALPK2):c.1270T>G (p.Ser424Ala)

Gene: ALPK2 (alpha kinase 2; minus strand). Cytogenetic location: 18q21.31.
Variant type: single nucleotide variant.
Coding change: c.1270T>G on transcript NM_052947.4 (MANE Select); coding-DNA position 1270, T replaced by G.
Protein change: p.Ser424Ala; replaces serine 424 with alanine.
Molecular consequence: missense variant.
Genome position (GRCh38, 1-based): chr18:58,579,506, A>C on the plus strand (T>G on the coding strand, the complement: ALPK2 is on the minus strand). VCF-style: chr18-58579506-A-C. GRCh37 (hg19) VCF-style: chr18-56246738-A-C.
Other names: short protein forms S424A.
Identifiers: ClinVar variation 1765477 (VCV001765477.2), dbSNP rs765600569, ClinGen allele CA402563740.

ClinVar aggregate classification (germline): Uncertain significance (1 of 4 stars; one submission).

Submission:

Ambry Genetics
Classification: Uncertain significance. Last evaluated: 2021-08-02. Review status: criteria provided, single submitter. Criteria: Ambry Variant Classification Scheme 2023. Collection method: clinical testing. Allele origin: germline.
Comment: The p.S424A variant (also known as c.1270T>G), located in coding exon 3 of the ALPK2 gene, results from a T to G substitution at nucleotide position 1270. The serine at codon 424 is replaced by alanine, an amino acid with similar properties. This amino acid position is conserved. In addition, this alteration is predicted to be tolerated by in silico analysis. Since supporting evidence is limited at this time, the clinical significance of this alteration remains unclear.